The following is an entry in ClinVar:

NM_017636.4(TRPM4):c.1244G>A (p.Arg415Gln)

Gene: TRPM4 (transient receptor potential cation channel subfamily M member 4; plus strand). Cytogenetic location: 19q13.33.
Variant type: single nucleotide variant.
Coding change: c.1244G>A on transcript NM_017636.4 (MANE Select); coding-DNA position 1244, G replaced by A.
Protein change: p.Arg415Gln; replaces arginine 415 with glutamine.
Molecular consequence: missense variant. On other transcripts: 5 prime UTR variant (1), intron variant (1).
Genome position (GRCh38, 1-based): chr19:49,181,442, G>A. VCF-style: chr19-49181442-G-A. GRCh37 (hg19) VCF-style: chr19-49684699-G-A.
Other names: c.1244G>A, p.Arg415Gln (NM_001195227.2); c.899G>A, p.Arg300Gln (NM_001321281.2); c.-310G>A (NM_001321282.2); c.722G>A, p.Arg241Gln (NM_001321283.2); c.202-1136G>A (NM_001321285.2); short protein forms R241Q, R300Q, R415Q.
Identifiers: ClinVar variation 965737 (VCV000965737.12), dbSNP rs372791133, ClinGen allele CA9569129.

ClinVar aggregate classification (germline): Uncertain significance. Review status: criteria provided, multiple submitters, no conflicts (2 of 4 stars). 2 submissions from 2 submitters: Uncertain significance (2). Last evaluated 2024-12-04.

Conditions:
Progressive familial heart block type IB (PFHB1B). Identifiers: Orphanet 871, MedGen C1970298, MONDO:0011474, OMIM 604559.
Cardiovascular phenotype. Identifiers: MedGen CN230736.

Allele frequency attached by ClinVar (database versions not stated): gnomAD 0.00001; TOPMed 0.00002; gnomAD exomes 0.00004 and 0.00007; ExAC 0.00006; ESP Exome Variant Server 0.00015.
gnomAD v4.1: 98 of 1,613,378 alleles (0.0061%); highest among the groups gnomAD compares: Non-Finnish European, 0.0079%; no homozygotes.

Submissions (2):

Ambry Genetics
Classification: Uncertain significance for Cardiovascular phenotype. Last evaluated: 2024-12-04. Review status: criteria provided, single submitter. Criteria: Ambry Variant Classification Scheme 2023. Collection method: clinical testing. Allele origin: germline.

Labcorp Genetics (formerly Invitae), Labcorp
Classification: Uncertain significance for Progressive familial heart block type IB. Last evaluated: 2024-10-01. Review status: criteria provided, single submitter. Criteria: Invitae Variant Classification Sherloc (09022015). Collection method: clinical testing. Allele origin: germline.
Comment: This sequence change replaces arginine, which is basic and polar, with glutamine, which is neutral and polar, at codon 415 of the TRPM4 protein (p.Arg415Gln). This variant is present in population databases (rs372791133, gnomAD 0.01%). This variant has not been reported in the literature in individuals affected with TRPM4-related conditions. ClinVar contains an entry for this variant (Variation ID: 965737). An algorithm developed to predict the effect of missense changes on protein structure and function (PolyPhen-2) suggests that this variant is likely to be disruptive. In summary, the available evidence is currently insufficient to determine the role of this variant in disease. Therefore, it has been classified as a Variant of Uncertain Significance.